The following is an entry in ClinVar:

NM_007194.4(CHEK2):c.1462-12A>G

Gene: CHEK2 (checkpoint kinase 2; minus strand). Cytogenetic location: 22q12.1.
Variant type: single nucleotide variant.
Coding change: c.1462-12A>G on transcript NM_007194.4 (MANE Select); 12 bases into the intron before coding-DNA position 1462, A replaced by G.
Molecular consequence: intron variant.
Genome position (GRCh38, 1-based): chr22:28,689,227, T>C on the plus strand (A>G on the coding strand, the complement: CHEK2 is on the minus strand). VCF-style: chr22-28689227-T-C. GRCh37 (hg19) VCF-style: chr22-29085215-T-C.
Other names: c.799-12A>G (NM_001437942.1, NM_001257387.3); c.1261-12A>G (NM_001349956.3); c.1375-12A>G (NM_145862.3); c.1468-12A>G (NM_001438295.1); c.1555-12A>G (NM_001438293.1); c.1504-12A>G (NM_001438294.1); c.1591-12A>G (NM_001005735.3).
Identifiers: ClinVar variation 491601 (VCV000491601.14), dbSNP rs1339529482, ClinGen allele CA638795636.

ClinVar aggregate classification (germline): Uncertain significance. Review status: criteria provided, multiple submitters, no conflicts (2 of 4 stars). 4 submissions from 4 submitters: Uncertain significance (4). Last evaluated 2024-06-18.

Conditions:
CHEK2-related cancer predisposition (TPDS4). Also called: CHEK2-related cancer susceptibility; TUMOR PREDISPOSITION SYNDROME 4; CANCER PREDISPOSITION SYNDROME, CHEK2-RELATED. Identifiers: Orphanet 524, MedGen C5882668, MONDO:0700271, OMIM 609265.
Bone osteosarcoma. Also called: Osteosarcoma, somatic. Identifiers: Orphanet 668, MedGen C0585442, MONDO:0002629, OMIM 259500.
Familial prostate cancer. Also called: Hereditary Prostate Cancer. Identifiers: MedGen C2931456, MONDO:0700275, OMIM 176807.
Hereditary cancer-predisposing syndrome. Also called: Neoplastic Syndromes, Hereditary; Tumor predisposition; Hereditary Cancer Syndrome; Hereditary neoplastic syndrome. Identifiers: Orphanet 140162, MedGen C0027672, MeSH D009386, MONDO:0015356.
Familial cancer of breast. Also called: BREAST CANCER, FAMILIAL; hereditary breast carcinoma; Hereditary breast cancer. Identifiers: Orphanet 227535, MedGen C0346153, MONDO:0016419, OMIM 114480. Disease mechanism: loss of function.

Allele frequency attached by ClinVar (database versions not stated): TOPMed 0.00001; gnomAD 0.00001.

Submissions (4):

Fulgent Genetics
Classification: Uncertain significance for Familial prostate cancer; Bone osteosarcoma; CHEK2-related cancer predisposition. Last evaluated: 2024-06-18. Review status: criteria provided, single submitter. Criteria: ACMG Guidelines, 2015. Collection method: clinical testing. Allele origin: germline.

Baylor Genetics
Classification: Uncertain significance for Familial cancer of breast. Last evaluated: 2023-11-09. Review status: criteria provided, single submitter. Criteria: ACMG Guidelines, 2015. Collection method: clinical testing. Allele origin: unknown.

Labcorp Genetics (formerly Invitae), Labcorp
Classification: Uncertain significance for Familial cancer of breast. Last evaluated: 2023-05-18. Review status: criteria provided, single submitter. Criteria: Invitae Variant Classification Sherloc (09022015). Collection method: clinical testing. Allele origin: germline.
Comment: This variant is present in population databases (no rsID available, gnomAD 0.009%). In summary, the available evidence is currently insufficient to determine the role of this variant in disease. Therefore, it has been classified as a Variant of Uncertain Significance. Algorithms developed to predict the effect of sequence changes on RNA splicing suggest that this variant may create or strengthen a splice site. ClinVar contains an entry for this variant (Variation ID: 491601). This variant has not been reported in the literature in individuals affected with CHEK2-related conditions. This sequence change falls in intron 13 of the CHEK2 gene. It does not directly change the encoded amino acid sequence of the CHEK2 protein.

Color Diagnostics, LLC DBA Color Health
Classification: Uncertain significance for Hereditary cancer-predisposing syndrome. Last evaluated: 2018-09-02. Review status: criteria provided, single submitter. Criteria: ACMG Guidelines, 2015. Collection method: clinical testing. Allele origin: germline.